The following is an entry in ClinVar:

NM_001039141.3(TRIOBP):c.4102C>T (p.Arg1368Trp)

Gene: TRIOBP (TRIO and F-actin binding protein; plus strand). Cytogenetic location: 22q13.1.
Variant type: single nucleotide variant.
Coding change: c.4102C>T on transcript NM_001039141.3 (MANE Select); coding-DNA position 4102, C replaced by T.
Protein change: p.Arg1368Trp; replaces arginine 1368 with tryptophan.
Molecular consequence: missense variant.
Genome position (GRCh38, 1-based): chr22:37,734,438, C>T. VCF-style: chr22-37734438-C-T. GRCh37 (hg19) VCF-style: chr22-38130445-C-T.
Other names: short protein forms R1368W.
Identifiers: ClinVar variation 1712208 (VCV001712208.5), dbSNP rs781187217, ClinGen allele CA10224317.

ClinVar aggregate classification (germline): Uncertain significance. Review status: criteria provided, multiple submitters, no conflicts (2 of 4 stars). 2 submissions from 2 submitters: Uncertain significance (2). Last evaluated 2022-04-19.

Conditions:
Inborn genetic diseases. Identifiers: MedGen C0950123, MeSH D030342.

Allele frequency attached by ClinVar (database versions not stated): ExAC 0.00001; gnomAD 0.00001; TOPMed 0.00002.
gnomAD v4.1: 17 of 1,613,114 alleles (0.0011%); highest among the groups gnomAD compares: Admixed American, 0.0017%; no homozygotes.

Submissions (2):

GeneDx
Classification: Uncertain significance. Last evaluated: 2022-04-19. Review status: criteria provided, single submitter. Criteria: GeneDx Variant Classification Process June 2021. Collection method: clinical testing. Allele origin: germline. Affected: yes.
Comment: In silico analysis supports that this missense variant does not alter protein structure/function; Has not been previously published as pathogenic or benign to our knowledge

Ambry Genetics
Classification: Uncertain significance for Inborn genetic diseases. Last evaluated: 2021-07-27. Review status: criteria provided, single submitter. Criteria: Ambry Variant Classification Scheme 2023. Collection method: clinical testing. Allele origin: germline.